The following is an entry in ClinVar:

ClinVar aggregate classification (germline): Uncertain significance. Review status: criteria provided, multiple submitters, no conflicts (2 of 4 stars). 2 submissions from 2 submitters: Uncertain significance (2). Last evaluated 2023-03-10.

Submissions (2):

Ambry Genetics
Classification: Uncertain significance. Last evaluated: 2023-03-10. Review status: criteria provided, single submitter. Criteria: Ambry Variant Classification Scheme 2023. Collection method: clinical testing. Allele origin: germline.
Comment: The p.N867D variant (also known as c.2599A>G), located in coding exon 23 of the PRKDC gene, results from an A to G substitution at nucleotide position 2599. The asparagine at codon 867 is replaced by aspartic acid, an amino acid with highly similar properties. This amino acid position is conserved. In addition, this alteration is predicted to be tolerated by in silico analysis. Since supporting evidence is limited at this time, the clinical significance of this alteration remains unclear.

Blueprint Genetics
Classification: Uncertain significance. Last evaluated: 2022-02-15. Review status: criteria provided, single submitter. Criteria: ACMG Guidelines, 2015. Collection method: clinical testing. Allele origin: germline.

NM_006904.7(PRKDC):c.2599A>G (p.Asn867Asp)

Gene: PRKDC (protein kinase, DNA-activated, catalytic subunit; minus strand). Cytogenetic location: 8q11.21.
Variant type: single nucleotide variant.
Coding change: c.2599A>G on transcript NM_006904.7 (MANE Select); coding-DNA position 2599, A replaced by G.
Protein change: p.Asn867Asp; replaces asparagine 867 with aspartic acid.
Molecular consequence: missense variant.
Genome position (GRCh38, 1-based): chr8:47,915,346, T>C on the plus strand (A>G on the coding strand, the complement: PRKDC is on the minus strand). VCF-style: chr8-47915346-T-C. GRCh37 (hg19) VCF-style: chr8-48827906-T-C.
Other names: c.2599A>G, p.Asn867Asp (NM_001081640.2); short protein forms N867D.
Identifiers: ClinVar variation 2497392 (VCV002497392.3), dbSNP rs758007075, ClinGen allele CA371159795.